The following is an entry in ClinVar:

NM_001358921.2(COQ2):c.541A>C (p.Ser181Arg)

Gene: COQ2 (coenzyme Q2, polyprenyltransferase; minus strand). Cytogenetic location: 4q21.23.
Variant type: single nucleotide variant.
Coding change: c.541A>C on transcript NM_001358921.2 (MANE Select); coding-DNA position 541, A replaced by C.
Protein change: p.Ser181Arg; replaces serine 181 with arginine.
Molecular consequence: missense variant.
Genome position (GRCh38, 1-based): chr4:83,273,497, T>G on the plus strand (A>C on the coding strand, the complement: COQ2 is on the minus strand). VCF-style: chr4-83273497-T-G. GRCh37 (hg19) VCF-style: chr4-84194650-T-G.
Other names: c.691A>C, p.Ser231Arg (NM_015697.9); short protein forms S231R, S181R.
Identifiers: ClinVar variation 1389440 (VCV001389440.3), dbSNP rs1735096106, ClinGen allele CA357230135.

ClinVar aggregate classification (germline): Uncertain significance (1 of 4 stars; one submission).

Submission:

Labcorp Genetics (formerly Invitae), Labcorp
Classification: Uncertain significance. Last evaluated: 2022-10-25. Review status: criteria provided, single submitter. Criteria: Invitae Variant Classification Sherloc (09022015). Collection method: clinical testing. Allele origin: germline.
Comment: This sequence change replaces serine, which is neutral and polar, with arginine, which is basic and polar, at codon 231 of the COQ2 protein (p.Ser231Arg). This variant is not present in population databases (gnomAD no frequency). This variant has not been reported in the literature in individuals affected with COQ2-related conditions. ClinVar contains an entry for this variant (Variation ID: 1389440). Algorithms developed to predict the effect of missense changes on protein structure and function are either unavailable or do not agree on the potential impact of this missense change (SIFT: "Deleterious"; PolyPhen-2: "Probably Damaging"; Align-GVGD: "Class C15"). Algorithms developed to predict the effect of sequence changes on RNA splicing suggest that this variant may disrupt the consensus splice site. In summary, the available evidence is currently insufficient to determine the role of this variant in disease. Therefore, it has been classified as a Variant of Uncertain Significance.